The following is an entry in ClinVar:

NM_024700.4(SNIP1):c.74C>T (p.Ala25Val)

Gene: SNIP1 (Smad nuclear interacting protein 1; minus strand). Cytogenetic location: 1p34.3.
Variant type: single nucleotide variant.
Coding change: c.74C>T on transcript NM_024700.4 (MANE Select); coding-DNA position 74, C replaced by T.
Protein change: p.Ala25Val; replaces alanine 25 with valine.
Molecular consequence: missense variant.
Genome position (GRCh38, 1-based): chr1:37,554,156, G>A on the plus strand (C>T on the coding strand, the complement: SNIP1 is on the minus strand). VCF-style: chr1-37554156-G-A. GRCh37 (hg19) VCF-style: chr1-38019757-G-A.
Other names: short protein forms A25V.
Identifiers: ClinVar variation 4772796 (VCV004772796.1).
Genomic context (GRCh38, chr1:37,554,156, plus strand): 5'-CGGCGGTGGGCGGGAGGTGCGACTTCTGGGCTGAGACGCTCCTGCTTCACCACCACCCCC[G>A]CCGGCAGCACCACGTCCCCGTCCCGGTGTCTTCGCCGGCTCCCTCGCTCCCGTTCGCTCT-3'
Protein context (NP_078976.2, residues 15-35): RHRDGDVVLP[Ala25Val]GVVVKQERLS

ClinVar aggregate classification (germline): Uncertain significance (1 of 4 stars; one submission).

gnomAD v4.1: 5 of 1,612,626 alleles (0.00031%); highest among the groups gnomAD compares: Admixed American, 0.0067%; no homozygotes.

Submission:

Labcorp Genetics (formerly Invitae), Labcorp
Classification: Uncertain significance. Last evaluated: 2025-08-26. Review status: criteria provided, single submitter. Criteria: Invitae Variant Classification Sherloc (09022015). Collection method: clinical testing. Allele origin: germline.
Comment: This sequence change replaces alanine, which is neutral and non-polar, with valine, which is neutral and non-polar, at codon 25 of the SNIP1 protein (p.Ala25Val). This variant is present in population databases (rs769427485, gnomAD 0.009%). This variant has not been reported in the literature in individuals affected with SNIP1-related conditions. An algorithm developed to predict the effect of missense changes on protein structure and function outputs the following: PolyPhen-2: "Benign". The valine amino acid residue is found in multiple mammalian species, which suggests that this missense change does not adversely affect protein function. In summary, the available evidence is currently insufficient to determine the role of this variant in disease. Therefore, it has been classified as a Variant of Uncertain Significance.